The following is an entry in ClinVar:

NM_018706.7(DHTKD1):c.16del (p.Ala6fs)

Gene: DHTKD1 (dehydrogenase E1 and transketolase domain containing 1; plus strand). Cytogenetic location: 10p14.
Variant type: Deletion.
Coding change: c.16del on transcript NM_018706.7 (MANE Select); coding-DNA position 16, one base deleted (G; older notation c.16delG).
Protein change: p.Ala6fs; shifts the reading frame from alanine 6.
Molecular consequence: frameshift variant.
Genome position (GRCh38, 1-based): chr10:12,069,049, G deleted. VCF-style (leftmost placement, unchanged base first): chr10-12069048-TG-T. GRCh37 (hg19) VCF-style: chr10-12111047-TG-T.
Other names: short protein forms A6fs.
Identifiers: ClinVar variation 4529707 (VCV004529707.2).

ClinVar aggregate classification (germline): Likely pathogenic (1 of 4 stars; one submission).

Submission:

GeneDx
Classification: Likely pathogenic. Last evaluated: 2026-02-15. Review status: criteria provided, single submitter. Criteria: GeneDx Variant Classification Process June 2021. Collection method: clinical testing. Allele origin: germline.
Comment: Frameshift variant predicted to result in protein truncation or nonsense mediated decay in a gene for which loss of function is a known mechanism of disease; Not observed at significant frequency in large population cohorts (gnomAD); Has not been previously published as pathogenic or benign to our knowledge